The following is an entry in ClinVar:

NM_014915.3(ANKRD26):c.521C>G (p.Ala174Gly)

Gene: ANKRD26 (ankyrin repeat domain 26; minus strand). Cytogenetic location: 10p12.1.
Variant type: single nucleotide variant.
Coding change: c.521C>G on transcript NM_014915.3 (MANE Select); coding-DNA position 521, C replaced by G.
Protein change: p.Ala174Gly; replaces alanine 174 with glycine.
Molecular consequence: missense variant.
Genome position (GRCh38, 1-based): chr10:27,093,359, G>C on the plus strand (C>G on the coding strand, the complement: ANKRD26 is on the minus strand). VCF-style: chr10-27093359-G-C. GRCh37 (hg19) VCF-style: chr10-27382288-G-C.
Other names: p.Ala174Gly; c.521C>G, p.Ala174Gly (NM_001256053.2); short protein forms A174G.
Identifiers: ClinVar variation 2080759 (VCV002080759.12), dbSNP rs201818373, ClinGen allele CA5448922.

ClinVar aggregate classification (germline): Conflicting classifications of pathogenicity. Review status: criteria provided, conflicting classifications (1 of 4 stars). 6 submissions from 6 submitters: Uncertain significance (4); Likely benign (2). Last evaluated 2026-03-03.

Conditions:
ANKRD26-related disorder. Also called: ANKRD26-related condition.
Inborn genetic diseases. Identifiers: MedGen C0950123, MeSH D030342.

Allele frequency attached by ClinVar (database versions not stated): gnomAD exomes 0.00002; ExAC 0.00006; gnomAD 0.00020; TOPMed 0.00025; ESP Exome Variant Server 0.00050.
gnomAD v4.1: 54 of 1,612,628 alleles (0.0033%); highest among the groups gnomAD compares: African/African-American, 0.067%; no homozygotes.

Submissions (6):

PreventionGenetics, part of Exact Sciences
Classification: Likely benign for ANKRD26-related condition. Last evaluated: 2026-03-03. Review status: criteria provided, single submitter. Criteria: ACMG Guidelines, 2015. Collection method: clinical testing. Allele origin: germline.
Comment: This variant is classified as likely benign based on ACMG/AMP sequence variant interpretation guidelines (Richards et al. 2015 PMID: 25741868, with internal and published modifications).

Labcorp Genetics (formerly Invitae), Labcorp
Classification: Likely benign. Last evaluated: 2025-10-10. Review status: criteria provided, single submitter. Criteria: Invitae Variant Classification Sherloc (09022015). Collection method: clinical testing. Allele origin: germline.

Mayo Clinic Laboratories, Mayo Clinic
Classification: Uncertain significance. Last evaluated: 2024-12-10. Review status: criteria provided, single submitter. Criteria: ACMG Guidelines, 2015. Collection method: clinical testing. Allele origin: germline. Observed: 1 variant allele.
Comment: BS1

Ambry Genetics
Classification: Uncertain significance for Inborn genetic diseases. Last evaluated: 2024-10-04. Review status: criteria provided, single submitter. Criteria: Ambry Variant Classification Scheme 2023. Collection method: clinical testing. Allele origin: germline.
Comment: The p.A174G variant (also known as c.521C>G), located in coding exon 3 of the ANKRD26 gene, results from a C to G substitution at nucleotide position 521. The alanine at codon 174 is replaced by glycine, an amino acid with similar properties. This amino acid position is conserved. In addition, this alteration is predicted to be tolerated by in silico analysis. Based on the available evidence, the clinical significance of this variant remains unclear.

GeneDx
Classification: Uncertain significance. Last evaluated: 2024-02-16. Review status: criteria provided, single submitter. Criteria: GeneDx Variant Classification Process June 2021. Collection method: clinical testing. Allele origin: germline. Affected: yes.
Comment: In silico analysis supports that this missense variant has a deleterious effect on protein structure/function; Has not been previously published as pathogenic or benign to our knowledge

Revvity Omics, Revvity
Classification: Uncertain significance. Last evaluated: 2019-04-10. Review status: criteria provided, single submitter. Criteria: ACMG Guidelines, 2015. Collection method: clinical testing. Allele origin: germline.